The following is an entry in ClinVar:

NM_002972.4(SBF1):c.4724C>T (p.Pro1575Leu)

Gene: SBF1 (SET binding factor 1; minus strand). Cytogenetic location: 22q13.33.
Variant type: single nucleotide variant.
Coding change: c.4724C>T on transcript NM_002972.4 (MANE Select); coding-DNA position 4724, C replaced by T.
Protein change: p.Pro1575Leu; replaces proline 1575 with leucine.
Molecular consequence: missense variant.
Genome position (GRCh38, 1-based): chr22:50,454,902, G>A on the plus strand (C>T on the coding strand, the complement: SBF1 is on the minus strand). VCF-style: chr22-50454902-G-A. GRCh37 (hg19) VCF-style: chr22-50893331-G-A.
Other names: c.4649C>T, p.Pro1550Leu (NM_001365819.1); short protein forms P1550L, P1575L.
Identifiers: ClinVar variation 1330764 (VCV001330764.9), dbSNP rs199779197, ClinGen allele CA10316147.
Genomic context (GRCh38, chr22:50,454,902, plus strand): 5'-TTGTGGAACACAGGCGTCCTCTTGCTCAGCCGGTCCACATACTCCCACACAGACCTGCAC[G>A]GCACCTGGCCCCTGCGTTCCCCCTTCTCCTCATACAGCAGCCCTGCACAGAAGCAGCACT-3'
Protein context (NP_002963.2, residues 1565-1585): EEKGERRGQV[Pro1575Leu]CRSVWEYVDR

ClinVar aggregate classification (germline): Uncertain significance. Review status: criteria provided, multiple submitters, no conflicts (2 of 4 stars). 2 submissions from 2 submitters: Uncertain significance (2). Last evaluated 2022-10-18.

Conditions:
Charcot-Marie-Tooth disease type 4B3. Also called: Charcot-Marie-Tooth Neuropathy Type 4B3; CHARCOT-MARIE-TOOTH DISEASE, DEMYELINATING, TYPE 4B3. Identifiers: Orphanet 363981, MedGen C3695063, MONDO:0014117, OMIM 615284.

Allele frequency attached by ClinVar (database versions not stated): ExAC 0.00009; gnomAD 0.00012; gnomAD exomes 0.00012 and 0.00045; TOPMed 0.00013; ESP Exome Variant Server 0.00024.
gnomAD v4.1: 662 of 1,613,930 alleles (0.041%); highest among the groups gnomAD compares: Non-Finnish European, 0.055%; no homozygotes.

Submissions (2):

Labcorp Genetics (formerly Invitae), Labcorp
Classification: Uncertain significance. Last evaluated: 2022-10-18. Review status: criteria provided, single submitter. Criteria: Invitae Variant Classification Sherloc (09022015). Collection method: clinical testing. Allele origin: germline.
Comment: This sequence change replaces proline, which is neutral and non-polar, with leucine, which is neutral and non-polar, at codon 1575 of the SBF1 protein (p.Pro1575Leu). This variant is present in population databases (rs199779197, gnomAD 0.02%). This variant has not been reported in the literature in individuals affected with SBF1-related conditions. ClinVar contains an entry for this variant (Variation ID: 1330764). Advanced modeling of protein sequence and biophysical properties (such as structural, functional, and spatial information, amino acid conservation, physicochemical variation, residue mobility, and thermodynamic stability) performed at Invitae indicates that this missense variant is not expected to disrupt SBF1 protein function. In summary, the available evidence is currently insufficient to determine the role of this variant in disease. Therefore, it has been classified as a Variant of Uncertain Significance.

ARUP Laboratories, Molecular Genetics and Genomics, ARUP Laboratories
Classification: Uncertain significance for Charcot-Marie-Tooth disease type 4B3. Last evaluated: 2021-03-18. Review status: criteria provided, single submitter. Criteria: ARUP Molecular Germline Variant Investigation Process 2021. Collection method: clinical testing. Allele origin: germline.
Comment: The SBF1 c.4724C>T; p.Pro1575Leu variant (rs199779197), to our knowledge, is not reported in the medical literature or gene specific databases. This variant is found in the non-Finnish European population with an allele frequency of 0.02% (28/128,504 alleles) in the Genome Aggregation Database. The proline at codon 1575 is weakly conserved, and computational analyses are uncertain whether this variant is neutral or deleterious (REVEL: 0.2). Due to limited information, the clinical significance of the p.Pro1575Leu variant is uncertain at this time. Gene specific statement: Pathogenic variants in SBF1 are inherited in an autosomal recessive manner and are associated with Charcot-Marie-Tooth disease type 4B3 (MIM: 615284).